The following is an entry in ClinVar:

ClinVar aggregate classification (germline): Uncertain significance (1 of 4 stars; one submission).

Allele frequency attached by ClinVar (database versions not stated): gnomAD 0.00001; gnomAD exomes 0.00001 and 0.00002; TOPMed 0.00001; ExAC 0.00002.
gnomAD v4.1: 13 of 1,613,476 alleles (0.00081%); highest among the groups gnomAD compares: South Asian, 0.0022%; no homozygotes.

Submission:

Labcorp Genetics (formerly Invitae), Labcorp
Classification: Uncertain significance. Last evaluated: 2022-09-13. Review status: criteria provided, single submitter. Criteria: Invitae Variant Classification Sherloc (09022015). Collection method: clinical testing. Allele origin: germline.
Comment: In summary, the available evidence is currently insufficient to determine the role of this variant in disease. Therefore, it has been classified as a Variant of Uncertain Significance. Advanced modeling of protein sequence and biophysical properties (such as structural, functional, and spatial information, amino acid conservation, physicochemical variation, residue mobility, and thermodynamic stability) performed at Invitae indicates that this missense variant is expected to disrupt ABL1 protein function. ClinVar contains an entry for this variant (Variation ID: 1351561). This variant has not been reported in the literature in individuals affected with ABL1-related conditions. This variant is present in population databases (rs756003964, gnomAD 0.007%). This sequence change replaces valine, which is neutral and non-polar, with isoleucine, which is neutral and non-polar, at codon 205 of the ABL1 protein (p.Val205Ile).

NM_005157.6(ABL1):c.556G>A (p.Val186Ile)

Gene: ABL1 (ABL proto-oncogene 1, non-receptor tyrosine kinase; plus strand). Cytogenetic location: 9q34.12.
Variant type: single nucleotide variant.
Coding change: c.556G>A on transcript NM_005157.6 (MANE Select); coding-DNA position 556, G replaced by A.
Protein change: p.Val186Ile; replaces valine 186 with isoleucine.
Molecular consequence: missense variant.
Genome position (GRCh38, 1-based): chr9:130,862,769, G>A. VCF-style: chr9-130862769-G-A. GRCh37 (hg19) VCF-style: chr9-133738156-G-A.
Other names: c.613G>A, p.Val205Ile (NM_007313.3); short protein forms V186I, V205I.
Identifiers: ClinVar variation 1351561 (VCV001351561.7), dbSNP rs756003964, ClinGen allele CA5285247.